The following is an entry in ClinVar:

NM_020738.4(KIDINS220):c.109-8T>C

Gene: KIDINS220 (kinase D interacting substrate 220; minus strand). Cytogenetic location: 2p25.1.
Variant type: single nucleotide variant.
Coding change: c.109-8T>C on transcript NM_020738.4 (MANE Select); 8 bases into the intron before coding-DNA position 109, T replaced by C.
Molecular consequence: intron variant.
Genome position (GRCh38, 1-based): chr2:8,818,801, A>G on the plus strand (T>C on the coding strand, the complement: KIDINS220 is on the minus strand). VCF-style: chr2-8818801-A-G. GRCh37 (hg19) VCF-style: chr2-8958931-A-G.
Other names: c.109-8T>C (NM_001348741.2, NM_001348738.2, NM_001348739.2 and 10 more transcripts); c.-18-8T>C (NM_001348736.2).
Identifiers: ClinVar variation 1913264 (VCV001913264.7), dbSNP rs536316090, ClinGen allele CA1520525.

ClinVar aggregate classification (germline): Benign. Review status: criteria provided, single submitter (1 of 4 stars). 2 submissions from 2 submitters: Benign (1). 1 of the submissions does not count toward it. Last evaluated 2025-12-02.

Conditions:
KIDINS220-related disorder. Also called: KIDINS220-related condition.

Allele frequency attached by ClinVar (database versions not stated): TOPMed 0.00002; gnomAD 0.00008; gnomAD exomes 0.00015; 1000 Genomes Project 30x 0.00016; 1000 Genomes Project 0.00020; ExAC 0.00034.
gnomAD v4.1: 214 of 1,538,228 alleles (0.014%); highest among the groups gnomAD compares: South Asian, 0.24%; 1 homozygote.

Submissions (2):

Labcorp Genetics (formerly Invitae), Labcorp
Classification: Benign. Last evaluated: 2025-12-02. Review status: criteria provided, single submitter. Criteria: Invitae Variant Classification Sherloc (09022015). Collection method: clinical testing. Allele origin: germline.

PreventionGenetics, part of Exact Sciences
Classification: Likely benign for KIDINS220-related condition. Last evaluated: 2023-10-29. Review status: no assertion criteria provided. Collection method: clinical testing. Allele origin: germline. Not counted in ClinVar's aggregate classification.
Comment: This variant is classified as likely benign based on ACMG/AMP sequence variant interpretation guidelines (Richards et al. 2015 PMID: 25741868, with internal and published modifications).